The following is an entry in ClinVar:

NM_001378120.1(MBD5):c.4586G>A (p.Arg1529Gln)

Gene: MBD5 (methyl-CpG binding domain protein 5; plus strand). Cytogenetic location: 2q23.1.
Variant type: single nucleotide variant.
Coding change: c.4586G>A on transcript NM_001378120.1 (MANE Select); coding-DNA position 4586, G replaced by A.
Protein change: p.Arg1529Gln; replaces arginine 1529 with glutamine.
Molecular consequence: missense variant.
Genome position (GRCh38, 1-based): chr2:148,490,218, G>A. VCF-style: chr2-148490218-G-A. GRCh37 (hg19) VCF-style: chr2-149247787-G-A.
Other names: c.3887G>A (NM_018328.4); c.3887G>A, p.Arg1296Gln (NM_018328.5); short protein forms R1296Q, R1529Q.
Identifiers: ClinVar variation 167266 (VCV000167266.11), dbSNP rs727504000, ClinGen allele CA234231.
Genomic context (GRCh38, chr2:148,490,218, plus strand): 5'-TTAAGGAGAGACTAGAGAACACTGTGGAAAGATGTGCACACATAAATGGGAATAGACCTC[G>A]ACAGAGTCGGGGATTTGGAGAGCTGCTAAGCACTGCAAAGCAAGACCTGGTCCTAGAGGA-3'
Protein context (NP_001365049.1, residues 1519-1539): RCAHINGNRP[Arg1529Gln]QSRGFGELLS

ClinVar aggregate classification (germline): Conflicting classifications of pathogenicity. Review status: criteria provided, conflicting classifications (1 of 4 stars). 3 submissions from 3 submitters: Uncertain significance (2); Likely benign (1). Last evaluated 2025-08-18.

Conditions:
Inborn genetic diseases. Identifiers: MedGen C0950123, MeSH D030342.
Intellectual developmental disorder, autosomal dominant 1. Also called: MBD5 Haploinsufficiency; Intellectual disability, autosomal dominant 1. Identifiers: Orphanet 228402, MedGen C1969562, MONDO:0007974, OMIM 156200.

Allele frequency attached by ClinVar (database versions not stated): gnomAD 0.00003; TOPMed 0.00002.
gnomAD v4.1: 10 of 1,614,040 alleles (0.00062%); highest among the groups gnomAD compares: African/African-American, 0.008%; no homozygotes.

Submissions (3):

Labcorp Genetics (formerly Invitae), Labcorp
Classification: Uncertain significance for Intellectual developmental disorder, autosomal dominant 1. Last evaluated: 2025-08-18. Review status: criteria provided, single submitter. Criteria: Invitae Variant Classification Sherloc (09022015). Collection method: clinical testing. Allele origin: germline.
Comment: This sequence change replaces arginine, which is basic and polar, with glutamine, which is neutral and polar, at codon 1296 of the MBD5 protein (p.Arg1296Gln). This variant is present in population databases (rs727504000, gnomAD 0.01%). This variant has not been reported in the literature in individuals affected with MBD5-related conditions. ClinVar contains an entry for this variant (Variation ID: 167266). An algorithm developed to predict the effect of missense changes on protein structure and function outputs the following: PolyPhen-2: "Not Available". The glutamine amino acid residue is found in multiple mammalian species, which suggests that this missense change does not adversely affect protein function. In summary, the available evidence is currently insufficient to determine the role of this variant in disease. Therefore, it has been classified as a Variant of Uncertain Significance.

Ambry Genetics
Classification: Likely benign for Inborn genetic diseases. Last evaluated: 2025-08-11. Review status: criteria provided, single submitter. Criteria: Ambry Variant Classification Scheme 2023. Collection method: clinical testing. Allele origin: germline.

Eurofins Ntd Llc (ga)
Classification: Uncertain significance. Last evaluated: 2016-06-02. Review status: criteria provided, single submitter. Criteria: EGL Classification Definitions 2015. Collection method: clinical testing. Allele origin: germline. Observed: 1 variant allele, 1 heterozygote.